The following is an entry in ClinVar:

ClinVar aggregate classification (germline): Uncertain significance. Review status: criteria provided, multiple submitters, no conflicts (2 of 4 stars). 2 submissions from 2 submitters: Uncertain significance (2). Last evaluated 2024-04-24.

Conditions:
Colorectal cancer. Also called: Colorectal cancer, somatic; Malignant Colorectal Neoplasm. Identifiers: MedGen C0346629, MONDO:0005575, OMIM 114500.
Proteus syndrome. Also called: Hemihypertrophy and macrocephaly; Partial gigantism of hands and feet, nevi, hemihypertrophy, macrocephaly; ELATTOPROTEUS SYNDROME; Macrocephaly mesodermal hamartoma spectrum; GIGANTISM, PARTIAL, OF HANDS AND FEET, NEVI, HEMIHYPERTROPHY, AND MACROCEPHALY; PROTEUS SYNDROME, SOMATIC. Identifiers: Orphanet 744, MedGen C0085261, MONDO:0008318, OMIM 176920. Disease mechanism: loss of function, gain of function.
Cowden syndrome 6 (CWS6). Identifiers: Orphanet 201, MedGen C3554519, MONDO:0014048, OMIM 615109.
Ovarian cancer. Also called: OVARIAN CANCER, SOMATIC. Identifiers: Orphanet 213500, MedGen C1140680, MONDO:0008170, OMIM 167000.
Familial cancer of breast. Also called: BREAST CANCER, FAMILIAL; Hereditary breast cancer; hereditary breast carcinoma. Identifiers: Orphanet 227535, MedGen C0346153, MONDO:0016419, OMIM 114480. Disease mechanism: loss of function.

Allele frequency attached by ClinVar (database versions not stated): gnomAD 0.00001; gnomAD exomes 0.00002; TOPMed 0.00002.
gnomAD v4.1: 31 of 1,613,982 alleles (0.0019%); highest among the groups gnomAD compares: East Asian, 0.0067%; no homozygotes.

Submissions (2):

Fulgent Genetics
Classification: Uncertain significance for Familial cancer of breast; Colorectal cancer; Ovarian cancer; Proteus syndrome; Cowden syndrome 6. Last evaluated: 2024-04-24. Review status: criteria provided, single submitter. Criteria: ACMG Guidelines, 2015. Collection method: clinical testing. Allele origin: germline.

Labcorp Genetics (formerly Invitae), Labcorp
Classification: Uncertain significance for Cowden syndrome 6. Last evaluated: 2024-04-04. Review status: criteria provided, single submitter. Criteria: Invitae Variant Classification Sherloc (09022015). Collection method: clinical testing. Allele origin: germline.
Comment: This sequence change replaces arginine, which is basic and polar, with cysteine, which is neutral and slightly polar, at codon 174 of the AKT1 protein (p.Arg174Cys). This variant is present in population databases (no rsID available, gnomAD 0.005%). This variant has not been reported in the literature in individuals affected with AKT1-related conditions. ClinVar contains an entry for this variant (Variation ID: 473857). An algorithm developed to predict the effect of missense changes on protein structure and function (PolyPhen-2) suggests that this variant is likely to be disruptive. In summary, the available evidence is currently insufficient to determine the role of this variant in disease. Therefore, it has been classified as a Variant of Uncertain Significance.

NM_001382430.1(AKT1):c.520C>T (p.Arg174Cys)

Gene: AKT1 (AKT serine/threonine kinase 1; minus strand). Cytogenetic location: 14q32.33.
Variant type: single nucleotide variant.
Coding change: c.520C>T on transcript NM_001382430.1 (MANE Select); coding-DNA position 520, C replaced by T.
Protein change: p.Arg174Cys; replaces arginine 174 with cysteine.
Molecular consequence: missense variant.
Genome position (GRCh38, 1-based): chr14:104,775,123, G>A on the plus strand (C>T on the coding strand, the complement: AKT1 is on the minus strand). VCF-style: chr14-104775123-G-A. GRCh37 (hg19) VCF-style: chr14-105241460-G-A.
Other names: c.520C>T, p.Arg174Cys (NM_001014431.2, NM_001014432.2, NM_001382431.1 and 3 more transcripts); short protein forms R174C.
Identifiers: ClinVar variation 473857 (VCV000473857.9), dbSNP rs983007851, ClinGen allele CA267349921.